The following is an entry in ClinVar:

NM_012154.5(AGO2):c.668C>A (p.Ala223Glu)

Genes: AGO2 (argonaute RISC catalytic component 2; minus strand), LOC126860545 (MED14-independent group 3 enhancer GRCh37_chr8:141569579-141570778; plus strand). Cytogenetic location: 8q24.3.
Variant type: single nucleotide variant.
Coding change: c.668C>A on transcript NM_012154.5 (MANE Select); coding-DNA position 668, C replaced by A.
Protein change: p.Ala223Glu; replaces alanine 223 with glutamic acid.
Molecular consequence: missense variant.
Genome position (GRCh38, 1-based): chr8:140,559,517, G>T on the plus strand (C>A on the coding strand, the complement: AGO2 is on the minus strand). VCF-style: chr8-140559517-G-T. GRCh37 (hg19) VCF-style: chr8-141569616-G-T.
Other names: c.668C>A, p.Ala223Glu (NM_001164623.3); short protein forms A223E.
Identifiers: ClinVar variation 4856360 (VCV004856360.1).

ClinVar aggregate classification (germline): Uncertain significance (1 of 4 stars; one submission).

Conditions:
Lessel-Kreienkamp syndrome. Identifiers: MedGen C5436892, MONDO:0030897, OMIM 619149.

Submission:

3billion
Classification: Uncertain significance for Lessel-Kreienkamp syndrome. Last evaluated: 2025-08-18. Review status: criteria provided, single submitter. Criteria: ACMG Guidelines, 2015. Collection method: clinical testing. Allele origin: germline. Affected: yes.
Comment: The variant is not observed in the gnomAD v4.1.0 dataset. Predicted Consequence/Location: Missense variant. Missense changes are a common disease-causing mechanism. Damaging effect on gene or gene product predicted by in silico programs is uncertain [REVEL: 0.59 (damaging >=0.6, benign <0.4), 3Cnet: 0.25 (damaging >0.75, benign <0.1)]. Therefore, this variant is classified as VUS according to the recommendation of ACMG/AMP guideline.